The following is an entry in ClinVar:

ClinVar aggregate classification (germline): Uncertain significance (1 of 4 stars; one submission).

Conditions:
EPILEPSY, CHILDHOOD ABSENCE, SUSCEPTIBILITY TO, 2 (ECA2). Identifiers: Orphanet 64280, MedGen C1843244, OMIM 607681.
Febrile seizures, familial, 8 (FEB8). Also called: CONVULSIONS, FAMILIAL FEBRILE, 8. Identifiers: Orphanet 36387, MedGen C1969810, MONDO:0011891, OMIM 607681.

Submission:

Labcorp Genetics (formerly Invitae), Labcorp
Classification: Uncertain significance for Febrile seizures, familial, 8; EPILEPSY, CHILDHOOD ABSENCE, SUSCEPTIBILITY TO, 2. Last evaluated: 2019-04-04. Review status: criteria provided, single submitter. Criteria: Invitae Variant Classification Sherloc (09022015). Collection method: clinical testing. Allele origin: germline.
Comment: In summary, the available evidence is currently insufficient to determine the role of this variant in disease. Therefore, it has been classified as a Variant of Uncertain Significance. Algorithms developed to predict the effect of missense changes on protein structure and function are either unavailable or do not agree on the potential impact of this missense change (SIFT: "Tolerated"; PolyPhen-2: "Probably Damaging"; Align-GVGD: "Class C0"). This variant has not been reported in the literature in individuals with GABRG2-related conditions. This variant is not present in population databases (ExAC no frequency). This sequence change replaces threonine with isoleucine at codon 254 of the GABRG2 protein (p.Thr254Ile). The threonine residue is highly conserved and there is a moderate physicochemical difference between threonine and isoleucine.

NM_198904.4(GABRG2):c.761C>T (p.Thr254Ile)

Gene: GABRG2 (gamma-aminobutyric acid type A receptor subunit gamma2; plus strand). Cytogenetic location: 5q34.
Variant type: single nucleotide variant.
Coding change: c.761C>T on transcript NM_198904.4 (MANE Select); coding-DNA position 761, C replaced by T.
Protein change: p.Thr254Ile; replaces threonine 254 with isoleucine.
Molecular consequence: missense variant.
Genome position (GRCh38, 1-based): chr5:162,104,018, C>T. VCF-style: chr5-162104018-C-T. GRCh37 (hg19) VCF-style: chr5-161531024-C-T.
Other names: c.761C>T, p.Thr254Ile (NM_000816.3, NM_001375340.1, NM_001375341.1 and 2 more transcripts); c.752C>T, p.Thr251Ile (NM_001375339.1); c.881C>T, p.Thr294Ile (NM_001375343.1, NM_198903.2); c.695C>T, p.Thr232Ile (NM_001375345.1, NM_001375346.1); c.674C>T, p.Thr225Ile (NM_001375347.1); c.341C>T, p.Thr114Ile (NM_001375348.1, NM_001375350.1); c.476C>T, p.Thr159Ile (NM_001375349.1); short protein forms T159I, T225I, T232I, T294I, T114I, T251I, T254I.
Identifiers: ClinVar variation 945572 (VCV000945572.10), dbSNP rs1761625389, ClinGen allele CA362185251.